The following is an entry in ClinVar:

ClinVar aggregate classification (germline): Likely benign. Review status: criteria provided, multiple submitters, no conflicts (2 of 4 stars). 4 submissions from 4 submitters: Likely benign (3). 1 of the submissions does not count toward it. Last evaluated 2025-07-07.

Conditions:
Greig cephalopolysyndactyly syndrome (GCPS). Also called: GLI3-Related Greig Cephalopolysyndactyly Syndrome; Greig syndrome; POLYSYNDACTYLY WITH PECULIAR SKULL SHAPE. Identifiers: Orphanet 380, MedGen C0265306, MONDO:0008287, OMIM 175700.
Pallister-Hall syndrome (PHS). Also called: HYPOTHALAMIC HAMARTOBLASTOMA, HYPOPITUITARISM, IMPERFORATE ANUS, AND POSTAXIAL POLYDACTYLY; GLI3-Related Pallister-Hall Syndrome. Identifiers: Orphanet 672, MedGen C0265220, MONDO:0007804, OMIM 146510.
GLI3-related disorder. Also called: GLI3-related disorders; GLI3-related condition. Identifiers: MedGen CN239292.

Allele frequency attached by ClinVar (database versions not stated): ExAC 0.00016; gnomAD 0.00005; TOPMed 0.00005; gnomAD exomes 0.00014; ESP Exome Variant Server 0.00015.
gnomAD v4.1: 175 of 1,613,536 alleles (0.011%); highest among the groups gnomAD compares: East Asian, 0.051%; no homozygotes.

Submissions (4):

Labcorp Genetics (formerly Invitae), Labcorp
Classification: Likely benign for Pallister-Hall syndrome; Greig cephalopolysyndactyly syndrome. Last evaluated: 2025-07-07. Review status: criteria provided, single submitter. Criteria: Invitae Variant Classification Sherloc (09022015). Collection method: clinical testing. Allele origin: germline.

Blueprint Genetics
Classification: Likely benign. Last evaluated: 2024-09-18. Review status: criteria provided, single submitter. Criteria: ACMG Guidelines, 2015. Collection method: clinical testing. Allele origin: germline.

CeGaT Center for Human Genetics Tuebingen
Classification: Likely benign. Last evaluated: 2017-06-01. Review status: criteria provided, single submitter. Criteria: CeGaT Center For Human Genetics Tuebingen Variant Classification Criteria Version 2. Collection method: clinical testing. Allele origin: germline. Affected: yes. Observed: 1 variant allele.

PreventionGenetics, part of Exact Sciences
Classification: Likely benign for GLI3-related condition. Last evaluated: 2021-08-02. Review status: no assertion criteria provided. Collection method: clinical testing. Allele origin: germline. Not counted in ClinVar's aggregate classification.
Comment: This variant is classified as likely benign based on ACMG/AMP sequence variant interpretation guidelines (Richards et al. 2015 PMID: 25741868, with internal and published modifications).

NM_000168.6(GLI3):c.3351G>A (p.Pro1117=)

Gene: GLI3 (GLI family zinc finger 3; minus strand). Cytogenetic location: 7p14.1.
Variant type: single nucleotide variant.
Coding change: c.3351G>A on transcript NM_000168.6 (MANE Select); coding-DNA position 3351, G replaced by A.
Protein change: p.Pro1117=; no amino-acid change (proline 1117 retained).
Molecular consequence: synonymous variant.
Genome position (GRCh38, 1-based): chr7:41,965,722, C>T on the plus strand (G>A on the coding strand, the complement: GLI3 is on the minus strand). VCF-style: chr7-41965722-C-T. GRCh37 (hg19) VCF-style: chr7-42005320-C-T.
Identifiers: ClinVar variation 444718 (VCV000444718.53), dbSNP rs368061722, ClinGen allele CA4230387.